The following is an entry in ClinVar:

ClinVar aggregate classification (germline): Uncertain significance (1 of 4 stars; one submission).

Conditions:
Multiple congenital exostosis (EXT). Also called: Multiple osteochondromas; MULTIPLE CARTILAGINOUS EXOSTOSES; Hereditary multiple osteochondromas; Hereditary multiple exostoses; Hereditary multiple exostosis; Multiple exostoses. Identifiers: Orphanet 321, MedGen C0015306, MONDO:0005508, HP:0002762.

gnomAD v4.1: 2 of 1,614,194 alleles (0.00012%); highest among the groups gnomAD compares: Non-Finnish European, 0.00017%; no homozygotes.

Submission:

Labcorp Genetics (formerly Invitae), Labcorp
Classification: Uncertain significance for Multiple congenital exostosis. Last evaluated: 2025-12-05. Review status: criteria provided, single submitter. Criteria: Invitae Variant Classification Sherloc (09022015). Collection method: clinical testing. Allele origin: germline.
Comment: This sequence change replaces leucine, which is neutral and non-polar, with serine, which is neutral and polar, at codon 161 of the EXT1 protein (p.Leu161Ser). This variant is not present in population databases (gnomAD no frequency). This variant has not been reported in the literature in individuals affected with EXT1-related conditions. Invitae Evidence Modeling of protein sequence and biophysical properties (such as structural, functional, and spatial information, amino acid conservation, physicochemical variation, residue mobility, and thermodynamic stability) indicates that this missense variant is expected to disrupt EXT1 protein function with a positive predictive value of 95%. In summary, the available evidence is currently insufficient to determine the role of this variant in disease. Therefore, it has been classified as a Variant of Uncertain Significance.

NM_000127.3(EXT1):c.482T>C (p.Leu161Ser)

Gene: EXT1 (exostosin glycosyltransferase 1; minus strand). Cytogenetic location: 8q24.11.
Variant type: single nucleotide variant.
Coding change: c.482T>C on transcript NM_000127.3 (MANE Select); coding-DNA position 482, T replaced by C.
Protein change: p.Leu161Ser; replaces leucine 161 with serine.
Molecular consequence: missense variant.
Genome position (GRCh38, 1-based): chr8:118,110,565, A>G on the plus strand (T>C on the coding strand, the complement: EXT1 is on the minus strand). VCF-style: chr8-118110565-A-G. GRCh37 (hg19) VCF-style: chr8-119122804-A-G.
Other names: short protein forms L161S.
Identifiers: ClinVar variation 4755044 (VCV004755044.1).